The following is an entry in ClinVar:

NM_001387430.1(SH2B1):c.110C>T (p.Ala37Val)

Gene: SH2B1 (SH2B adaptor protein 1; plus strand). Cytogenetic location: 16p11.2.
Variant type: single nucleotide variant.
Coding change: c.110C>T on transcript NM_001387430.1 (MANE Select); coding-DNA position 110, C replaced by T.
Protein change: p.Ala37Val; replaces alanine 37 with valine.
Molecular consequence: missense variant. On other transcripts: intron variant (1).
Genome position (GRCh38, 1-based): chr16:28,866,204, C>T. VCF-style: chr16-28866204-C-T. GRCh37 (hg19) VCF-style: chr16-28877525-C-T.
Other names: c.110C>T, p.Ala37Val (NM_001145795.2, NM_001145796.2, NM_001145797.2 and 4 more transcripts); c.-26-1170C>T (NM_001308294.2); short protein forms A37V.
Identifiers: ClinVar variation 3358428 (VCV003358428.1).

ClinVar aggregate classification (germline): Uncertain significance (0 of 4 stars; one submission).

Conditions:
SH2B1-related disorder. Also called: SH2B1-related condition.

Submission:

PreventionGenetics, part of Exact Sciences
Classification: Uncertain significance for SH2B1-related condition. Last evaluated: 2024-01-16. Review status: no assertion criteria provided. Collection method: clinical testing. Allele origin: germline.
Comment: The SH2B1 c.110C>T variant is predicted to result in the amino acid substitution p.Ala37Val. To our knowledge, this variant has not been reported in the literature. This variant is reported in 0.016% of alleles in individuals of African descent in gnomAD. At this time, the clinical significance of this variant is uncertain due to the absence of conclusive functional and genetic evidence.